The following is an entry in ClinVar:

NM_198578.4(LRRK2):c.1969A>C (p.Lys657Gln)

Gene: LRRK2 (leucine rich repeat kinase 2; plus strand). Cytogenetic location: 12q12.
Variant type: single nucleotide variant.
Coding change: c.1969A>C on transcript NM_198578.4 (MANE Select); coding-DNA position 1969, A replaced by C.
Protein change: p.Lys657Gln; replaces lysine 657 with glutamine.
Molecular consequence: missense variant.
Genome position (GRCh38, 1-based): chr12:40,277,915, A>C. VCF-style: chr12-40277915-A-C. GRCh37 (hg19) VCF-style: chr12-40671717-A-C.
Other names: short protein forms K657Q.
Identifiers: ClinVar variation 3540662 (VCV003540662.1).
Genomic context (GRCh38, chr12:40,277,915, plus strand): 5'-CTTATTTTATTATTTTTTTTCTTATACTTTTAGGGATTTCAGACAATCTTAGCAATCCTC[A>C]AATTGTCAGCATCTTTTTCTAAGCTGCTGGTGCATCATTCATTTGACTTAGTAATATTCC-3'
Protein context (NP_940980.4, residues 647-667): KGFQTILAIL[Lys657Gln]LSASFSKLLV

ClinVar aggregate classification (germline): Uncertain significance (1 of 4 stars; one submission).

Conditions:
Inborn genetic diseases. Identifiers: MedGen C0950123, MeSH D030342.

gnomAD v4.1: 1 of 1,611,228 alleles (0.000062%); highest among the groups gnomAD compares: African/African-American, 0.0013%; no homozygotes.

Submission:

Ambry Genetics
Classification: Uncertain significance for Inborn genetic diseases. Last evaluated: 2024-09-05. Review status: criteria provided, single submitter. Criteria: Ambry Variant Classification Scheme 2023. Collection method: clinical testing. Allele origin: germline.
Comment: The p.K657Q variant (also known as c.1969A>C), located in coding exon 17 of the LRRK2 gene, results from an A to C substitution at nucleotide position 1969. The lysine at codon 657 is replaced by glutamine, an amino acid with similar properties. This amino acid position is conserved. In addition, this alteration is predicted to be tolerated by in silico analysis. Based on the available evidence, the clinical significance of this variant remains unclear.